The following is an entry in ClinVar:

ClinVar aggregate classification (germline): Benign/Likely benign. Review status: criteria provided, multiple submitters, no conflicts (2 of 4 stars). 2 submissions from 2 submitters: Benign (1); Likely benign (1). Last evaluated 2026-09-16.

Conditions:
Colorectal cancer, hereditary nonpolyposis, type 7. Identifiers: Orphanet 144, MedGen C1858380, MONDO:0013725, OMIM 614385.

gnomAD v4.1: 5 of 1,614,070 alleles (0.00031%); highest among the groups gnomAD compares: South Asian, 0.0055%; no homozygotes.

Submissions (2):

Myriad Genetics, Inc.
Classification: Benign for Colorectal cancer, hereditary nonpolyposis, type 7. Last evaluated: 2026-09-16. Review status: criteria provided, single submitter. Criteria: Myriad Autosomal Dominant, Autosomal Recessive and X-Linked Classification Criteria (2023). Collection method: clinical testing. Allele origin: unknown.
Comment: This variant is considered benign. This variant is a silent/synonymous amino acid change and it is not expected to impact splicing.

Ambry Genetics
Classification: Likely benign. Last evaluated: 2026-06-09. Review status: criteria provided, single submitter. Criteria: Ambry Variant Classification Scheme 2023. Collection method: clinical testing. Allele origin: germline.

NM_001040108.2(MLH3):c.1044A>G (p.Leu348=)

Gene: MLH3 (mutL homolog 3; minus strand). Cytogenetic location: 14q24.3.
Variant type: single nucleotide variant.
Coding change: c.1044A>G on transcript NM_001040108.2 (MANE Select); coding-DNA position 1044, A replaced by G.
Protein change: p.Leu348=; no amino-acid change (leucine 348 retained).
Molecular consequence: synonymous variant.
Genome position (GRCh38, 1-based): chr14:75,048,612, T>C on the plus strand (A>G on the coding strand, the complement: MLH3 is on the minus strand). VCF-style: chr14-75048612-T-C. GRCh37 (hg19) VCF-style: chr14-75515315-T-C.
Other names: c.1044A>G, p.Leu348= (NM_014381.3).
Identifiers: ClinVar variation 4860234 (VCV004860234.2).